The following is an entry in ClinVar:

ClinVar aggregate classification (germline): Uncertain significance. Review status: criteria provided, multiple submitters, no conflicts (2 of 4 stars). 2 submissions from 2 submitters: Uncertain significance (2). Last evaluated 2025-08-21.

Conditions:
Primary ciliary dyskinesia. Also called: Ciliary dyskinesia. Identifiers: Orphanet 244, MedGen C0008780, MONDO:0016575, HP:0012265.
Inborn genetic diseases. Identifiers: MedGen C0950123, MeSH D030342.

Allele frequency attached by ClinVar (database versions not stated): ExAC 0.00001; gnomAD 0.00001; gnomAD exomes 0.00001.
gnomAD v4.1: 17 of 1,613,734 alleles (0.0011%); highest among the groups gnomAD compares: African/African-American, 0.0027%; no homozygotes.

Submissions (2):

Ambry Genetics
Classification: Uncertain significance for Inborn genetic diseases. Last evaluated: 2025-08-21. Review status: criteria provided, single submitter. Criteria: Ambry Variant Classification Scheme 2023. Collection method: clinical testing. Allele origin: germline.

Labcorp Genetics (formerly Invitae), Labcorp
Classification: Uncertain significance for Primary ciliary dyskinesia. Last evaluated: 2022-08-10. Review status: criteria provided, single submitter. Criteria: Invitae Variant Classification Sherloc (09022015). Collection method: clinical testing. Allele origin: germline.
Comment: This sequence change replaces arginine, which is basic and polar, with histidine, which is basic and polar, at codon 262 of the DRC1 protein (p.Arg262His). This variant is present in population databases (rs756078948, gnomAD 0.003%). This variant has not been reported in the literature in individuals affected with DRC1-related conditions. Algorithms developed to predict the effect of missense changes on protein structure and function output the following: SIFT: "Tolerated"; PolyPhen-2: "Possibly Damaging"; Align-GVGD: "Class C0". The histidine amino acid residue is found in multiple mammalian species, which suggests that this missense change does not adversely affect protein function. In summary, the available evidence is currently insufficient to determine the role of this variant in disease. Therefore, it has been classified as a Variant of Uncertain Significance.

NM_145038.5(DRC1):c.785G>A (p.Arg262His)

Gene: DRC1 (dynein regulatory complex subunit 1; plus strand). Cytogenetic location: 2p23.3.
Variant type: single nucleotide variant.
Coding change: c.785G>A on transcript NM_145038.5 (MANE Select); coding-DNA position 785, G replaced by A.
Protein change: p.Arg262His; replaces arginine 262 with histidine.
Molecular consequence: missense variant.
Genome position (GRCh38, 1-based): chr2:26,431,903, G>A. VCF-style: chr2-26431903-G-A. GRCh37 (hg19) VCF-style: chr2-26654771-G-A.
Other names: c.785G>A (NM_145038.2); short protein forms R262H.
Identifiers: ClinVar variation 2414633 (VCV002414633.12), dbSNP rs756078948, ClinGen allele CA1562040.